The following is an entry in ClinVar:

ClinVar aggregate classification (germline): Uncertain significance. Review status: criteria provided, multiple submitters, no conflicts (2 of 4 stars). 3 submissions from 3 submitters: Uncertain significance (3). Last evaluated 2026-06-02.

Conditions:
Joubert syndrome. Also called: JOUBERT-BOLTSHAUSER SYNDROME; Familial aplasia of the vermis. Identifiers: Orphanet 475, MedGen C5979921, MONDO:0018772.

Submissions (3):

Women's Health and Genetics/Laboratory Corporation of America, LabCorp
Classification: Uncertain significance. Last evaluated: 2026-06-02. Review status: criteria provided, single submitter. Criteria: LabCorp Variant Classification Summary - May 2015. Collection method: clinical testing. Allele origin: germline.
Comment: Variant summary: AHI1 c.2132_2146del15 (p.Glu711_Thr715del) results in an in-frame deletion that is predicted to remove 5 amino acids from the encoded protein. The variant was absent in 248896 control chromosomes. The available data on variant occurrences in the general population are insufficient to allow any conclusion about variant significance. To our knowledge, no occurrence of c.2132_2146del15 in individuals affected with AHI1-related conditions and no experimental evidence demonstrating its impact on protein function have been reported. ClinVar contains an entry for this variant (Variation ID: 866794). Based on the evidence outlined above, the variant was classified as uncertain significance.

Labcorp Genetics (formerly Invitae), Labcorp
Classification: Uncertain significance for Joubert syndrome. Last evaluated: 2022-10-04. Review status: criteria provided, single submitter. Criteria: Invitae Variant Classification Sherloc (09022015). Collection method: clinical testing. Allele origin: germline.
Comment: ClinVar contains an entry for this variant (Variation ID: 866794). Algorithms developed to predict the effect of sequence changes on RNA splicing suggest that this variant may create or strengthen a splice site. Experimental studies and prediction algorithms are not available or were not evaluated, and the functional significance of this variant is currently unknown. This variant has not been reported in the literature in individuals affected with AHI1-related conditions. In summary, the available evidence is currently insufficient to determine the role of this variant in disease. Therefore, it has been classified as a Variant of Uncertain Significance. This variant is not present in population databases (gnomAD no frequency). This variant, c.2132_2146del, results in the deletion of 5 amino acid(s) of the AHI1 protein (p.Glu711_Thr715del), but otherwise preserves the integrity of the reading frame.

Blueprint Genetics
Classification: Uncertain significance. Last evaluated: 2018-08-02. Review status: criteria provided, single submitter. Criteria: ACMG Guidelines, 2015. Collection method: clinical testing. Allele origin: germline.

NM_001134831.2(AHI1):c.2132_2146del (p.Glu711_Thr715del)

Gene: AHI1 (Abelson helper integration site 1; minus strand). Cytogenetic location: 6q23.3.
Variant type: Deletion.
Coding change: c.2132_2146del on transcript NM_001134831.2 (MANE Select); coding-DNA positions 2132 to 2146, 15 bases deleted (AGCTAGTAGTTACAG).
Protein change: p.Glu711_Thr715del.
Molecular consequence: inframe deletion.
Genome position (GRCh38, 1-based): chr6:135,433,147-135,433,161, CTGTAACTACTAGCT deleted on the plus strand (AGCTAGTAGTTACAG on the coding strand, the reverse complement: AHI1 is on the minus strand); deleting any 15 consecutive bases within chr6:135,433,147-135,433,163 gives the same sequence; the c. name uses the placement nearest the transcript's 3' end. VCF-style (leftmost placement, unchanged base first): chr6-135433146-CCTGTAACTACTAGCT-C. GRCh37 (hg19) VCF-style: chr6-135754284-CCTGTAACTACTAGCT-C.
Other names: c.2132_2146del15 (NM_017651.5); c.2132_2146del, p.Glu711_Thr715del (NM_001134830.2, NM_001134832.2, NM_001350503.2 and 2 more transcripts).
Identifiers: ClinVar variation 866794 (VCV000866794.12), dbSNP rs1305959685, ClinGen allele CA819387298.